The following is an entry in ClinVar:

ClinVar aggregate classification (germline): Likely benign. Review status: reviewed by expert panel (3 of 4 stars). 2 submissions from 2 submitters: Likely benign (1). 1 of the submissions does not count toward it. Last evaluated 2017-06-29.

Conditions:
Breast-ovarian cancer, familial, susceptibility to, 1 (BROVCA1). Also called: OVARIAN CANCER, SUSCEPTIBILITY TO; BRCA1 Hereditary Breast and Ovarian Cancer. Identifiers: Orphanet 145, MedGen C2676676, MONDO:0011450, OMIM 604370. Disease mechanism: loss of function.
Hereditary cancer-predisposing syndrome. Also called: Hereditary Cancer Syndrome; Hereditary neoplastic syndrome; Tumor predisposition; Neoplastic Syndromes, Hereditary. Identifiers: Orphanet 140162, MedGen C0027672, MeSH D009386, MONDO:0015356.

gnomAD v4.1: 3 of 1,614,126 alleles (0.00019%); no homozygotes.

Submissions (2):

Evidence-based Network for the Interpretation of Germline Mutant Alleles (ENIGMA)
Classification: Likely benign for Breast-ovarian cancer, familial, susceptibility to, 1. Last evaluated: 2017-06-29. Review status: reviewed by expert panel. Criteria: ENIGMA BRCA1/2 Classification Criteria (2017-06-29). Collection method: curation. Allele origin: germline.
Comment: Synonymous substitution variant, with low bioinformatic likelihood to result in a splicing aberration (Splicing prior probability 0.02).

Ambry Genetics
Classification: Likely benign for Hereditary cancer-predisposing syndrome. Last evaluated: 2014-07-14. Review status: criteria provided, single submitter. Criteria: Ambry Variant Classification Scheme 2023. Collection method: clinical testing. Allele origin: germline. Not counted in ClinVar's aggregate classification.

NM_007294.4(BRCA1):c.2862A>C (p.Leu954=)

Gene: BRCA1 (BRCA1 DNA repair associated; minus strand). Cytogenetic location: 17q21.31.
Variant type: single nucleotide variant.
Coding change: c.2862A>C on transcript NM_007294.4 (MANE Select); coding-DNA position 2862, A replaced by C.
Protein change: p.Leu954=; no amino-acid change (leucine 954 retained).
Molecular consequence: synonymous variant. On other transcripts: intron variant (137).
Genome position (GRCh38, 1-based): chr17:43,092,669, T>G on the plus strand (A>C on the coding strand, the complement: BRCA1 is on the minus strand). VCF-style: chr17-43092669-T-G. GRCh37 (hg19) VCF-style: chr17-41244686-T-G.
Other names: c.785-1637A>C (NM_001407972.1, NM_001408397.1, NM_001408401.1 and 13 more transcripts); c.665-1637A>C (NM_001408441.1, NM_001408437.1, NM_001408429.1 and 12 more transcripts); c.788-1637A>C (NM_001407979.1, NM_001407977.1, NM_001407982.1 and 17 more transcripts); c.647-1637A>C (NM_001408410.1, NM_001408458.1, NM_001408469.1 and 11 more transcripts); c.710-1637A>C (NM_001408415.1, NM_001408412.1, NM_001408409.1 and 2 more transcripts); c.578-1637A>C (NM_001408483.1, NM_001408481.1, NM_001408480.1 and 9 more transcripts); c.2649A>C, p.Leu883= (NM_001407571.1, NM_001407853.1, NM_001407894.1 and 9 more transcripts); c.2862A>C, p.Leu954= (NM_001407581.1, NM_001407582.1, NM_001407583.1 and 30 more transcripts); and 41 more.
Identifiers: ClinVar variation 185356 (VCV000185356.8), dbSNP rs559190752, ClinGen allele CA001861.